The following is an entry in ClinVar:

ClinVar aggregate classification (germline): Uncertain significance. Review status: criteria provided, multiple submitters, no conflicts (2 of 4 stars). 3 submissions from 3 submitters: Uncertain significance (3). Last evaluated 2025-09-29.

Conditions:
Hereditary nonpolyposis colorectal neoplasms. Identifiers: MedGen C0009405, MeSH D003123.
Hereditary cancer-predisposing syndrome. Also called: Hereditary Cancer Syndrome; Hereditary neoplastic syndrome; Neoplastic Syndromes, Hereditary; Tumor predisposition. Identifiers: Orphanet 140162, MedGen C0027672, MeSH D009386, MONDO:0015356.

Allele frequency attached by ClinVar (database versions not stated): gnomAD exomes below 0.00001; TOPMed below 0.00001.
gnomAD v4.1: 1 of 1,560,642 alleles (0.000064%); highest among the groups gnomAD compares: Admixed American, 0.002%; no homozygotes.

Submissions (3):

Color Diagnostics, LLC DBA Color Health
Classification: Uncertain significance for Hereditary cancer-predisposing syndrome. Last evaluated: 2025-09-29. Review status: criteria provided, single submitter. Criteria: ACMG Guidelines, 2015. Collection method: clinical testing. Allele origin: germline.
Comment: This missense variant replaces serine with cysteine at codon 998 of the MSH6 protein. Computational prediction suggests that this variant may have deleterious impact on protein structure and function. To our knowledge, functional studies have not been reported for this variant. This variant has not been reported in individuals affected with MSH6-related disorders in the literature. This variant has been identified in 1/1408380 chromosomes in the general population by the Genome Aggregation Database (gnomAD). The available evidence is insufficient to determine the role of this variant in disease conclusively. Therefore, this variant is classified as a Variant of Uncertain Significance.

Labcorp Genetics (formerly Invitae), Labcorp
Classification: Uncertain significance for Hereditary nonpolyposis colorectal neoplasms. Last evaluated: 2025-04-29. Review status: criteria provided, single submitter. Criteria: Invitae Variant Classification Sherloc (09022015). Collection method: clinical testing. Allele origin: germline.
Comment: This sequence change replaces serine, which is neutral and polar, with cysteine, which is neutral and slightly polar, at codon 998 of the MSH6 protein (p.Ser998Cys). This variant is present in population databases (no rsID available, gnomAD 0.004%). This variant has not been reported in the literature in individuals affected with MSH6-related conditions. ClinVar contains an entry for this variant (Variation ID: 455226). Invitae Evidence Modeling incorporating data from in vitro experimental studies (internal data) indicates that this missense variant is expected to disrupt MSH6 function with a positive predictive value of 95%. RNA analysis performed to evaluate the impact of this missense change on mRNA splicing indicates it does not significantly alter splicing (internal data). In summary, the available evidence is currently insufficient to determine the role of this variant in disease. Therefore, it has been classified as a Variant of Uncertain Significance.

Ambry Genetics
Classification: Uncertain significance for Hereditary cancer-predisposing syndrome. Last evaluated: 2024-11-01. Review status: criteria provided, single submitter. Criteria: Ambry Variant Classification Scheme 2023. Collection method: clinical testing. Allele origin: germline.
Comment: The p.S998C variant (also known as c.2993C>G), located in coding exon 4 of the MSH6 gene, results from a C to G substitution at nucleotide position 2993. The serine at codon 998 is replaced by cysteine, an amino acid with dissimilar properties. This amino acid position is highly conserved in available vertebrate species. In addition, this alteration is predicted to be deleterious by in silico analysis. Since supporting evidence is limited at this time, the clinical significance of this alteration remains unclear.

NM_000179.3(MSH6):c.2993C>G (p.Ser998Cys)

Gene: MSH6 (mutS homolog 6; plus strand). Cytogenetic location: 2p16.3.
Variant type: single nucleotide variant.
Coding change: c.2993C>G on transcript NM_000179.3 (MANE Select); coding-DNA position 2993, C replaced by G.
Protein change: p.Ser998Cys; replaces serine 998 with cysteine.
Molecular consequence: missense variant.
Genome position (GRCh38, 1-based): chr2:47,800,976, C>G. VCF-style: chr2-47800976-C-G. GRCh37 (hg19) VCF-style: chr2-48028115-C-G.
Other names: c.2603C>G, p.Ser868Cys (NM_001281492.2); c.2087C>G, p.Ser696Cys (NM_001281493.2, NM_001281494.2); short protein forms S998C, S868C, S696C.
Identifiers: ClinVar variation 455226 (VCV000455226.10), dbSNP rs1281207200, ClinGen allele CA346756385.